The following is an entry in ClinVar:

ClinVar aggregate classification (germline): Benign. Review status: criteria provided, multiple submitters, no conflicts (2 of 4 stars). 2 submissions from 2 submitters: Benign (2). Last evaluated 2018-06-14.

Allele frequency attached by ClinVar (database versions not stated): gnomAD exomes 0.36513; gnomAD 0.43672 and 0.43801; TOPMed 0.45925; 1000 Genomes Project 0.47983; 1000 Genomes Project 30x 0.48282.
gnomAD v4.1: 211,825 of 548,392 alleles (39%); highest among the groups gnomAD compares: African/African-American, 61%; 43,435 homozygotes.

Submissions (2):

GeneDx
Classification: Benign. Last evaluated: 2018-06-14. Review status: criteria provided, single submitter. Criteria: GeneDx Variant Classification (06012015). Collection method: clinical testing. Allele origin: germline. Affected: yes.
Comment: This variant is considered likely benign or benign based on one or more of the following criteria: it is a conservative change, it occurs at a poorly conserved position in the protein, it is predicted to be benign by multiple in silico algorithms, and/or has population frequency not consistent with disease.

Breakthrough Genomics
Classification: Benign. Review status: criteria provided, single submitter. Criteria: ACMG Guidelines, 2015. Collection method: not provided. Allele origin: germline. Inheritance: Autosomal recessive inheritance. Affected: yes.

NM_024537.4(CARS2):c.1054+181T>C

Gene: CARS2 (cysteinyl-tRNA synthetase 2, mitochondrial; minus strand). Cytogenetic location: 13q34.
Variant type: single nucleotide variant.
Coding change: c.1054+181T>C on transcript NM_024537.4 (MANE Select); 181 bases into the intron after coding-DNA position 1054, T replaced by C.
Molecular consequence: intron variant.
Genome position (GRCh38, 1-based): chr13:110,650,853, A>G on the plus strand (T>C on the coding strand, the complement: CARS2 is on the minus strand). VCF-style: chr13-110650853-A-G. GRCh37 (hg19) VCF-style: chr13-111303200-A-G.
Other names: c.268+181T>C (NM_001352252.2).
Identifiers: ClinVar variation 683461 (VCV000683461.2), dbSNP rs453757, ClinGen allele CA13892136.